The following is an entry in ClinVar:

ClinVar aggregate classification (germline): Benign/Likely benign. Review status: criteria provided, multiple submitters, no conflicts (2 of 4 stars). 3 submissions from 3 submitters: Benign (1); Likely benign (2). Last evaluated 2026-01-04.

Conditions:
Mitochondrial trifunctional protein deficiency. Identifiers: Orphanet 746, MedGen C1969443, MONDO:0012172.
Long chain 3-hydroxyacyl-CoA dehydrogenase deficiency. Also called: LCHAD Deficiency; Deficiency of long-chain 3-hydroxyacyl-coenzyme A dehydrogenase. Identifiers: Orphanet 5, MedGen C3711645, MONDO:0012173, OMIM 609016.

Allele frequency attached by ClinVar (database versions not stated): TOPMed 0.00008; ESP Exome Variant Server 0.00015; 1000 Genomes Project 30x 0.00031; 1000 Genomes Project 0.00040; gnomAD 0.00046 and 0.00047; gnomAD exomes 0.00063; ExAC 0.00068.
gnomAD v4.1: 457 of 1,610,398 alleles (0.028%); highest among the groups gnomAD compares: Non-Finnish European, 0.012%; 1 homozygote.

Submissions (3):

Labcorp Genetics (formerly Invitae), Labcorp
Classification: Benign for Mitochondrial trifunctional protein deficiency; Long chain 3-hydroxyacyl-CoA dehydrogenase deficiency. Last evaluated: 2026-01-04. Review status: criteria provided, single submitter. Criteria: Invitae Variant Classification Sherloc (09022015). Collection method: clinical testing. Allele origin: germline.

CeGaT Center for Human Genetics Tuebingen
Classification: Likely benign. Last evaluated: 2025-03-01. Review status: criteria provided, single submitter. Criteria: CeGaT Center For Human Genetics Tuebingen Variant Classification Criteria Version 2. Collection method: clinical testing. Allele origin: germline. Affected: yes. Observed: 1 variant allele.
Comment: HADHA: BP4, BP7

Blueprint Genetics
Classification: Likely benign. Last evaluated: 2024-11-23. Review status: criteria provided, single submitter. Criteria: ACMG Guidelines, 2015. Collection method: clinical testing. Allele origin: germline.

NM_000182.5(HADHA):c.567C>T (p.Pro189=)

Gene: HADHA (hydroxyacyl-CoA dehydrogenase trifunctional multienzyme complex subunit alpha; minus strand). Cytogenetic location: 2p23.3.
Variant type: single nucleotide variant.
Coding change: c.567C>T on transcript NM_000182.5 (MANE Select); coding-DNA position 567, C replaced by T.
Protein change: p.Pro189=; no amino-acid change (proline 189 retained).
Molecular consequence: synonymous variant.
Genome position (GRCh38, 1-based): chr2:26,232,166, G>A on the plus strand (C>T on the coding strand, the complement: HADHA is on the minus strand). VCF-style: chr2-26232166-G-A. GRCh37 (hg19) VCF-style: chr2-26455034-G-A.
Identifiers: ClinVar variation 1167191 (VCV001167191.17), dbSNP rs183297747, ClinGen allele CA1559859.